The following is an entry in ClinVar:

NM_000179.3(MSH6):c.315G>C (p.Trp105Cys)

Gene: MSH6 (mutS homolog 6; plus strand). Cytogenetic location: 2p16.3.
Variant type: single nucleotide variant.
Coding change: c.315G>C on transcript NM_000179.3 (MANE Select); coding-DNA position 315, G replaced by C.
Protein change: p.Trp105Cys; replaces tryptophan 105 with cysteine.
Molecular consequence: missense variant. On other transcripts: 5 prime UTR variant (2), intron variant (1).
Genome position (GRCh38, 1-based): chr2:47,790,981, G>C. VCF-style: chr2-47790981-G-C. GRCh37 (hg19) VCF-style: chr2-48018120-G-C.
Other names: c.-422G>C (NM_001281493.2, NM_001406811.1, NM_001406823.1 and 1 more transcripts); c.-588G>C (NM_001281494.2); c.411G>C, p.Trp137Cys (NM_001406795.1, NM_001406802.1); c.315G>C, p.Trp105Cys (NM_001406796.1, NM_001406798.1, NM_001406800.1 and 6 more transcripts); c.18G>C, p.Trp6Cys (NM_001406797.1, NM_001406801.1, NM_001406805.1 and 10 more transcripts); c.237G>C, p.Trp79Cys (NM_001406804.1); c.-614G>C (NM_001406807.1); c.-680G>C (NM_001406814.1); and 2 more; short protein forms W105C, W137C, W49C, W6C, W79C.
Identifiers: ClinVar variation 1721600 (VCV001721600.6), dbSNP rs1060502902, ClinGen allele CA346736857.

ClinVar aggregate classification (germline): Uncertain significance (1 of 4 stars; one submission).

Conditions:
Hereditary nonpolyposis colorectal neoplasms. Identifiers: MedGen C0009405, MeSH D003123.

Submission:

Labcorp Genetics (formerly Invitae), Labcorp
Classification: Uncertain significance for Hereditary nonpolyposis colorectal neoplasms. Last evaluated: 2022-10-14. Review status: criteria provided, single submitter. Criteria: Invitae Variant Classification Sherloc (09022015). Collection method: clinical testing. Allele origin: germline.
Comment: Algorithms developed to predict the effect of missense changes on protein structure and function (SIFT, PolyPhen-2, Align-GVGD) all suggest that this variant is likely to be disruptive. In summary, the available evidence is currently insufficient to determine the role of this variant in disease. Therefore, it has been classified as a Variant of Uncertain Significance. This variant has not been reported in the literature in individuals affected with MSH6-related conditions. This variant is not present in population databases (gnomAD no frequency). This sequence change replaces tryptophan, which is neutral and slightly polar, with cysteine, which is neutral and slightly polar, at codon 105 of the MSH6 protein (p.Trp105Cys).